The following is an entry in ClinVar:

NM_020975.6(RET):c.-4G>A

Genes: RET (ret proto-oncogene; plus strand), LOC106736614 (RET 5' regulatory region; plus strand). Cytogenetic location: 10q11.21.
Variant type: single nucleotide variant.
Coding change: c.-4G>A on transcript NM_020975.6 (MANE Select); 4 bases upstream of the start codon, G replaced by A.
Molecular consequence: 5 prime UTR variant.
Genome position (GRCh38, 1-based): chr10:43,077,255, G>A. VCF-style: chr10-43077255-G-A. GRCh37 (hg19) VCF-style: chr10-43572703-G-A.
Other names: c.-4G>A (NM_001406768.1, NM_001406769.1, NM_001406770.1 and 38 more transcripts).
Identifiers: ClinVar variation 825359 (VCV000825359.7), dbSNP rs1456639441, ClinGen allele CA593178985.

ClinVar aggregate classification (germline): Uncertain significance (1 of 4 stars; one submission).

Conditions:
Hereditary cancer-predisposing syndrome. Also called: Neoplastic Syndromes, Hereditary; Tumor predisposition; Hereditary neoplastic syndrome; Hereditary Cancer Syndrome. Identifiers: Orphanet 140162, MedGen C0027672, MeSH D009386, MONDO:0015356.

gnomAD v4.1: 1 of 1,503,170 alleles (0.000067%); highest among the groups gnomAD compares: Middle Eastern, 0.02%; no homozygotes.

Submission:

Ambry Genetics
Classification: Uncertain significance for Hereditary cancer-predisposing syndrome. Last evaluated: 2025-01-21. Review status: criteria provided, single submitter. Criteria: Ambry Variant Classification Scheme 2023. Collection method: clinical testing. Allele origin: germline.
Comment: The c.-4G>A variant is located in the 5' untranslated region (5&rsquo; UTR) of the RET gene. This variant results from a G to A substitution 4 bases upstream from the first translated codon. This nucleotide position is highly conserved in available vertebrate species. Based on the available evidence, the clinical significance of this variant remains unclear.